The following is an entry in ClinVar:

NM_000051.4(ATM):c.1898+3A>T

Gene: ATM (ATM serine/threonine kinase; plus strand). Cytogenetic location: 11q22.3.
Variant type: single nucleotide variant.
Coding change: c.1898+3A>T on transcript NM_000051.4 (MANE Select); 3 bases into the intron after coding-DNA position 1898, A replaced by T.
Molecular consequence: intron variant.
Genome position (GRCh38, 1-based): chr11:108,252,915, A>T. VCF-style: chr11-108252915-A-T. GRCh37 (hg19) VCF-style: chr11-108123642-A-T.
Other names: c.1898+3A>T (NM_001351834.2).
Identifiers: ClinVar variation 4617019 (VCV004617019.1).

ClinVar aggregate classification (germline): Uncertain significance (1 of 4 stars; one submission).

Conditions:
Hereditary cancer-predisposing syndrome. Also called: Neoplastic Syndromes, Hereditary; Tumor predisposition; Hereditary Cancer Syndrome; Hereditary neoplastic syndrome. Identifiers: Orphanet 140162, MedGen C0027672, MeSH D009386, MONDO:0015356.

Submission:

Ambry Genetics
Classification: Uncertain significance for Hereditary cancer-predisposing syndrome. Last evaluated: 2025-09-30. Review status: criteria provided, single submitter. Criteria: Ambry Variant Classification Scheme 2023. Collection method: clinical testing. Allele origin: germline.
Comment: The c.1898+3A>T intronic variant results from an A to T substitution 3 nucleotides after coding exon 11 in the ATM gene. This nucleotide position is highly conserved in available vertebrate species. In silico splice site analysis for this alteration is inconclusive. Based on the available evidence, the clinical significance of this variant remains unclear.